The following is an entry in ClinVar:

NM_001166108.2(PALLD):c.902G>C (p.Arg301Pro)

Gene: PALLD (palladin, cytoskeletal associated protein; plus strand). Cytogenetic location: 4q32.3.
Variant type: single nucleotide variant.
Coding change: c.902G>C on transcript NM_001166108.2 (MANE Select); coding-DNA position 902, G replaced by C.
Protein change: p.Arg301Pro; replaces arginine 301 with proline.
Molecular consequence: missense variant.
Genome position (GRCh38, 1-based): chr4:168,512,406, G>C. VCF-style: chr4-168512406-G-C. GRCh37 (hg19) VCF-style: chr4-169433557-G-C.
Other names: c.902G>C, p.Arg301Pro (NM_016081.4); short protein forms R301P.
Identifiers: ClinVar variation 3413623 (VCV003413623.1).

ClinVar aggregate classification (germline): Uncertain significance (1 of 4 stars; one submission).

gnomAD v4.1: 2 of 1,612,684 alleles (0.00012%); highest among the groups gnomAD compares: South Asian, 0.0011%; no homozygotes.

Submission:

Ambry Genetics
Classification: Uncertain significance. Last evaluated: 2024-09-18. Review status: criteria provided, single submitter. Criteria: Ambry Variant Classification Scheme 2023. Collection method: clinical testing. Allele origin: germline.
Comment: The p.R301P variant (also known as c.902G>C), located in coding exon 1 of the PALLD gene, results from a G to C substitution at nucleotide position 902. The arginine at codon 301 is replaced by proline, an amino acid with dissimilar properties. This amino acid position is conserved. In addition, the in silico prediction for this alteration is inconclusive. Based on the available evidence, the clinical significance of this variant remains unclear.